The following is an entry in ClinVar:

ClinVar aggregate classification (germline): Uncertain significance (1 of 4 stars; one submission).

Submission:

Labcorp Genetics (formerly Invitae), Labcorp
Classification: Uncertain significance. Last evaluated: 2025-04-14. Review status: criteria provided, single submitter. Criteria: Invitae Variant Classification Sherloc (09022015). Collection method: clinical testing. Allele origin: germline.
Comment: This sequence change replaces lysine, which is basic and polar, with arginine, which is basic and polar, at codon 1210 of the PRPF8 protein (p.Lys1210Arg). This variant is not present in population databases (gnomAD no frequency). This variant has not been reported in the literature in individuals affected with PRPF8-related conditions. Invitae Evidence Modeling of protein sequence and biophysical properties (such as structural, functional, and spatial information, amino acid conservation, physicochemical variation, residue mobility, and thermodynamic stability) indicates that this missense variant is not expected to disrupt PRPF8 protein function with a negative predictive value of 80%. In summary, the available evidence is currently insufficient to determine the role of this variant in disease. Therefore, it has been classified as a Variant of Uncertain Significance.

NM_006445.4(PRPF8):c.3629A>G (p.Lys1210Arg)

Gene: PRPF8 (pre-mRNA processing factor 8; minus strand). Cytogenetic location: 17p13.3.
Variant type: single nucleotide variant.
Coding change: c.3629A>G on transcript NM_006445.4 (MANE Select); coding-DNA position 3629, A replaced by G.
Protein change: p.Lys1210Arg; replaces lysine 1210 with arginine.
Molecular consequence: missense variant.
Genome position (GRCh38, 1-based): chr17:1,673,385, T>C on the plus strand (A>G on the coding strand, the complement: PRPF8 is on the minus strand). VCF-style: chr17-1673385-T-C. GRCh37 (hg19) VCF-style: chr17-1576679-T-C.
Other names: short protein forms K1210R.
Identifiers: ClinVar variation 4742781 (VCV004742781.1).